The following is an entry in ClinVar:

NM_005529.7(HSPG2):c.6439+6G>A

Gene: HSPG2 (heparan sulfate proteoglycan 2; minus strand). Cytogenetic location: 1p36.12.
Variant type: single nucleotide variant.
Coding change: c.6439+6G>A on transcript NM_005529.7 (MANE Select); 6 bases into the intron after coding-DNA position 6439, G replaced by A.
Molecular consequence: intron variant.
Genome position (GRCh38, 1-based): chr1:21,854,187, C>T on the plus strand (G>A on the coding strand, the complement: HSPG2 is on the minus strand). VCF-style: chr1-21854187-C-T. GRCh37 (hg19) VCF-style: chr1-22180680-C-T.
Other names: c.6442+6G>A (NM_001291860.2).
Identifiers: ClinVar variation 1379437 (VCV001379437.5), dbSNP rs1379503758, ClinGen allele CA521596854.

ClinVar aggregate classification (germline): Uncertain significance (1 of 4 stars; one submission).

Allele frequency attached by ClinVar (database versions not stated): gnomAD exomes 0.00001; gnomAD 0.00002; TOPMed 0.00002.
gnomAD v4.1: 11 of 1,578,452 alleles (0.0007%); highest among the groups gnomAD compares: Admixed American, 0.0035%; no homozygotes.

Submission:

Labcorp Genetics (formerly Invitae), Labcorp
Classification: Uncertain significance. Last evaluated: 2022-06-07. Review status: criteria provided, single submitter. Criteria: Invitae Variant Classification Sherloc (09022015). Collection method: clinical testing. Allele origin: germline.
Comment: This sequence change falls in intron 50 of the HSPG2 gene. It does not directly change the encoded amino acid sequence of the HSPG2 protein. It affects a nucleotide within the consensus splice site. This variant is present in population databases (no rsID available, gnomAD 0.005%). This variant has not been reported in the literature in individuals affected with HSPG2-related conditions. ClinVar contains an entry for this variant (Variation ID: 1379437). Variants that disrupt the consensus splice site are a relatively common cause of aberrant splicing (PMID: 17576681, 9536098). Algorithms developed to predict the effect of sequence changes on RNA splicing suggest that this variant is not likely to affect RNA splicing. In summary, the available evidence is currently insufficient to determine the role of this variant in disease. Therefore, it has been classified as a Variant of Uncertain Significance.

Literature cited by the submitters: PubMed 17576681; PubMed 9536098.